The following is an entry in ClinVar:

ClinVar aggregate classification (germline): Pathogenic (1 of 4 stars; one submission).

Submission:

GeneDx
Classification: Pathogenic. Last evaluated: 2022-11-15. Review status: criteria provided, single submitter. Criteria: GeneDx Variant Classification Process June 2021. Collection method: clinical testing. Allele origin: germline. Affected: yes.
Comment: Located in the 2B domain adjacent to the helix termination motif, which is highly conserved across all species and among all members of the keratin family; keratin gene variants affecting the residues at the ends of the central rod domains of the keratin proteins (helix initiation and termination motifs) interfere with proper keratin intermediate filament assembly and function, resulting in skin fragility, blistering, and/or hyperkeratosis (Chamcheu et al., 2011); In silico analysis supports that this missense variant has a deleterious effect on protein structure/function; Not observed at significant frequency in large population cohorts (gnomAD); This variant is associated with the following publications: (PMID: 23993914, 21176769)

NM_000424.4(KRT5):c.1408T>C (p.Tyr470His)

Genes: KRT5 (keratin 5; minus strand), LOC126861525 (BRD4-independent group 4 enhancer GRCh37_chr12:52909857-52911056; plus strand). Cytogenetic location: 12q13.13.
Variant type: single nucleotide variant.
Coding change: c.1408T>C on transcript NM_000424.4 (MANE Select); coding-DNA position 1408, T replaced by C.
Protein change: p.Tyr470His; replaces tyrosine 470 with histidine.
Molecular consequence: missense variant.
Genome position (GRCh38, 1-based): chr12:52,516,668, A>G on the plus strand (T>C on the coding strand, the complement: KRT5 is on the minus strand). VCF-style: chr12-52516668-A-G. GRCh37 (hg19) VCF-style: chr12-52910452-A-G.
Other names: short protein forms Y470H.
Identifiers: ClinVar variation 1800552 (VCV001800552.1), dbSNP rs2498517138, ClinGen allele CA384923523.
Genomic context (GRCh38, chr12:52,516,668, plus strand): 5'-GCCATCTTGAGTTCATGCTGTCTACTCACCTGCATTCCTCGCCCTCCAGCAGCTTGCGGT[A>G]AGTGGCGATCTCCACGTCCAGGGCCAGCTTGGTGTTCATGAGCTCCTGGTACTCACGCAG-3'
Protein context (NP_000415.2, residues 460-480): KLALDVEIAT[Tyr470His]RKLLEGEECR